The following is an entry in ClinVar:

ClinVar aggregate classification (germline): Uncertain significance (1 of 4 stars; one submission).

Submission:

Labcorp Genetics (formerly Invitae), Labcorp
Classification: Uncertain significance. Last evaluated: 2024-08-11. Review status: criteria provided, single submitter. Criteria: Invitae Variant Classification Sherloc (09022015). Collection method: clinical testing. Allele origin: germline.
Comment: This sequence change replaces serine, which is neutral and polar, with proline, which is neutral and non-polar, at codon 117 of the IHH protein (p.Ser117Pro). This variant is not present in population databases (gnomAD no frequency). This variant has not been reported in the literature in individuals affected with IHH-related conditions. Advanced modeling of protein sequence and biophysical properties (such as structural, functional, and spatial information, amino acid conservation, physicochemical variation, residue mobility, and thermodynamic stability) performed at Invitae indicates that this missense variant is expected to disrupt IHH protein function with a positive predictive value of 80%. In summary, the available evidence is currently insufficient to determine the role of this variant in disease. Therefore, it has been classified as a Variant of Uncertain Significance.

NM_002181.4(IHH):c.349T>C (p.Ser117Pro)

Gene: IHH (Indian hedgehog signaling molecule; minus strand). Cytogenetic location: 2q35.
Variant type: single nucleotide variant.
Coding change: c.349T>C on transcript NM_002181.4 (MANE Select); coding-DNA position 349, T replaced by C.
Protein change: p.Ser117Pro; replaces serine 117 with proline.
Molecular consequence: missense variant.
Genome position (GRCh38, 1-based): chr2:219,057,661, A>G on the plus strand (T>C on the coding strand, the complement: IHH is on the minus strand). VCF-style: chr2-219057661-A-G. GRCh37 (hg19) VCF-style: chr2-219922383-A-G.
Other names: short protein forms S117P.
Identifiers: ClinVar variation 3662036 (VCV003662036.2).
Genomic context (GRCh38, chr2:219,057,661, plus strand): 5'-CGTCCTCGTCCCAGCCCTCGGTCACCCGCAGCTTCACACCGGGCCACTGGTTCATCACCG[A>G]GATAGCCAGCGAGTTCAGGCGGTCCTTGCAGCGCTGGGAGAGGAATGTGCGCGAAATCAA-3'
Protein context (NP_002172.2, residues 107-127): CKDRLNSLAI[Ser117Pro]VMNQWPGVKL